The following is an entry in ClinVar:

NM_001042517.2(DIAPH3):c.1210T>A (p.Ser404Thr)

Gene: DIAPH3 (diaphanous related formin 3; minus strand). Cytogenetic location: 13q21.2.
Variant type: single nucleotide variant.
Coding change: c.1210T>A on transcript NM_001042517.2 (MANE Select); coding-DNA position 1210, T replaced by A.
Protein change: p.Ser404Thr; replaces serine 404 with threonine.
Molecular consequence: missense variant.
Genome position (GRCh38, 1-based): chr13:59,992,102, A>T on the plus strand (T>A on the coding strand, the complement: DIAPH3 is on the minus strand). VCF-style: chr13-59992102-A-T. GRCh37 (hg19) VCF-style: chr13-60566236-A-T.
Other names: c.1177T>A, p.Ser393Thr (NM_001258366.2); c.1072T>A, p.Ser358Thr (NM_001258367.2); c.1000T>A, p.Ser334Thr (NM_001258368.2); c.1210T>A, p.Ser404Thr (NM_001258369.2); c.421T>A, p.Ser141Thr (NM_001258370.2, NM_030932.4); short protein forms S141T, S358T, S393T, S404T, S334T.
Identifiers: ClinVar variation 4011566 (VCV004011566.2).
Genomic context (GRCh38, chr13:59,992,102, plus strand): 5'-GACTAGACTTCAGAACAAAAGGATATTCAAGTTCAGCTCTAATATCTTCAAGGCGATGGG[A>T]TAACTCAAACAAATCTTCTTCTTTATGCTCATCAAAGACTTTAAGTTGGATATCCAGGCC-3'
Protein context (NP_001035982.1, residues 394-414): EHKEEDLFEL[Ser404Thr]HRLEDIRAEL

ClinVar aggregate classification (germline): Uncertain significance. Review status: criteria provided, multiple submitters, no conflicts (2 of 4 stars). 2 submissions from 2 submitters: Uncertain significance (2). Last evaluated 2025-07-31.

gnomAD v4.1: 4 of 1,612,048 alleles (0.00025%); highest among the groups gnomAD compares: East Asian, 0.0067%; no homozygotes.

Submissions (2):

Labcorp Genetics (formerly Invitae), Labcorp
Classification: Uncertain significance. Last evaluated: 2025-07-31. Review status: criteria provided, single submitter. Criteria: Invitae Variant Classification Sherloc (09022015). Collection method: clinical testing. Allele origin: germline.
Comment: This sequence change replaces serine, which is neutral and polar, with threonine, which is neutral and polar, at codon 404 of the DIAPH3 protein (p.Ser404Thr). This variant is present in population databases (no rsID available, gnomAD 0.03%). This variant has not been reported in the literature in individuals affected with DIAPH3-related conditions. ClinVar contains an entry for this variant (Variation ID: 4011566). An algorithm developed to predict the effect of missense changes on protein structure and function (PolyPhen-2) suggests that this variant is likely to be disruptive. In summary, the available evidence is currently insufficient to determine the role of this variant in disease. Therefore, it has been classified as a Variant of Uncertain Significance.

Ambry Genetics
Classification: Uncertain significance. Last evaluated: 2025-06-07. Review status: criteria provided, single submitter. Criteria: Ambry Variant Classification Scheme 2023. Collection method: clinical testing. Allele origin: germline.